The following is an entry in ClinVar:

ClinVar aggregate classification (germline): Uncertain significance (1 of 4 stars; one submission).

Allele frequency attached by ClinVar (database versions not stated): gnomAD exomes below 0.00001.
gnomAD v4.1: 1 of 1,183,860 alleles (0.000084%); highest among the groups gnomAD compares: Non-Finnish European, 0.00011%; no homozygotes.

Submission:

Labcorp Genetics (formerly Invitae), Labcorp
Classification: Uncertain significance. Last evaluated: 2022-03-23. Review status: criteria provided, single submitter. Criteria: Invitae Variant Classification Sherloc (09022015). Collection method: clinical testing. Allele origin: germline.
Comment: In summary, the available evidence is currently insufficient to determine the role of this variant in disease. Therefore, it has been classified as a Variant of Uncertain Significance. Algorithms developed to predict the effect of missense changes on protein structure and function (SIFT, PolyPhen-2, Align-GVGD) all suggest that this variant is likely to be disruptive. This variant has not been reported in the literature in individuals affected with CACNA1F-related conditions. This variant is not present in population databases (gnomAD no frequency). This sequence change replaces leucine, which is neutral and non-polar, with proline, which is neutral and non-polar, at codon 974 of the CACNA1F protein (p.Leu974Pro).

NM_001256789.3(CACNA1F):c.2888T>C (p.Leu963Pro)

Gene: CACNA1F (calcium voltage-gated channel subunit alpha1 F; minus strand). Cytogenetic location: Xp11.23.
Variant type: single nucleotide variant.
Coding change: c.2888T>C on transcript NM_001256789.3 (MANE Select); coding-DNA position 2888, T replaced by C.
Protein change: p.Leu963Pro; replaces leucine 963 with proline.
Molecular consequence: missense variant.
Genome position (GRCh38, 1-based): chrX:49,218,495, A>G on the plus strand (T>C on the coding strand, the complement: CACNA1F is on the minus strand). VCF-style: chrX-49218495-A-G. GRCh37 (hg19) VCF-style: chrX-49074954-A-G.
Other names: c.2726T>C, p.Leu909Pro (NM_001256790.3); c.2921T>C, p.Leu974Pro (NM_005183.4); short protein forms L909P, L963P, L974P.
Identifiers: ClinVar variation 2116105 (VCV002116105.4), dbSNP rs2520912255, ClinGen allele CA412964655.